The following is an entry in ClinVar:

ClinVar aggregate classification (germline): Uncertain significance. Review status: criteria provided, multiple submitters, no conflicts (2 of 4 stars). 2 submissions from 2 submitters: Uncertain significance (2). Last evaluated 2025-08-09.

Conditions:
Inborn genetic diseases. Identifiers: MedGen C0950123, MeSH D030342.

gnomAD v4.1: 1 of 1,612,714 alleles (0.000062%); highest among the groups gnomAD compares: Non-Finnish European, 0.000085%; no homozygotes.

Submissions (2):

Ambry Genetics
Classification: Uncertain significance for Inborn genetic diseases. Last evaluated: 2025-08-09. Review status: criteria provided, single submitter. Criteria: Ambry Variant Classification Scheme 2023. Collection method: clinical testing. Allele origin: germline.
Comment: The p.P564S variant (also known as c.1690C>T), located in coding exon 19 of the RTEL1 gene, results from a C to T substitution at nucleotide position 1690. The proline at codon 564 is replaced by serine, an amino acid with similar properties. This amino acid position is conserved. In addition, the in silico prediction for this alteration is inconclusive. Based on the available evidence, the clinical significance of this variant remains unclear.

GeneDx
Classification: Uncertain significance. Last evaluated: 2023-07-23. Review status: criteria provided, single submitter. Criteria: GeneDx Variant Classification Process June 2021. Collection method: clinical testing. Allele origin: germline. Affected: yes.
Comment: Not observed at significant frequency in large population cohorts (gnomAD); In silico analysis supports that this missense variant has a deleterious effect on protein structure/function; Has not been previously published as pathogenic or benign to our knowledge

NM_001283009.2(RTEL1):c.1690C>T (p.Pro564Ser)

Genes: RTEL1 (regulator of telomere elongation helicase 1; plus strand), RTEL1-TNFRSF6B (RTEL1-TNFRSF6B readthrough (NMD candidate); plus strand). Cytogenetic location: 20q13.33.
Variant type: single nucleotide variant.
Coding change: c.1690C>T on transcript NM_001283009.2 (MANE Select); coding-DNA position 1690, C replaced by T.
Protein change: p.Pro564Ser; replaces proline 564 with serine.
Molecular consequence: missense variant. On other transcripts: non-coding transcript variant (1).
Genome position (GRCh38, 1-based): chr20:63,688,354, C>T. VCF-style: chr20-63688354-C-T. GRCh37 (hg19) VCF-style: chr20-62319707-C-T.
Other names: c.1021C>T, p.Pro341Ser (NM_001283010.1); c.1690C>T, p.Pro564Ser (NM_016434.4); c.1762C>T, p.Pro588Ser (NM_032957.5); short protein forms P341S, P564S, P588S.
Identifiers: ClinVar variation 3361257 (VCV003361257.2).